The following is an entry in ClinVar:

ClinVar aggregate classification (germline): Uncertain significance (1 of 4 stars; one submission).

Allele frequency attached by ClinVar (database versions not stated): gnomAD 0.00001; ExAC 0.00002; TOPMed 0.00003.
gnomAD v4.1: 16 of 1,613,780 alleles (0.00099%); highest among the groups gnomAD compares: Admixed American, 0.0033%; no homozygotes.

Submission:

Labcorp Genetics (formerly Invitae), Labcorp
Classification: Uncertain significance. Last evaluated: 2022-07-20. Review status: criteria provided, single submitter. Criteria: Invitae Variant Classification Sherloc (09022015). Collection method: clinical testing. Allele origin: germline.
Comment: This variant is present in population databases (rs772458595, gnomAD 0.003%). This sequence change replaces glycine, which is neutral and non-polar, with serine, which is neutral and polar, at codon 2333 of the MYO18B protein (p.Gly2333Ser). This variant has not been reported in the literature in individuals affected with MYO18B-related conditions. Algorithms developed to predict the effect of missense changes on protein structure and function output the following: SIFT: "Not Available"; PolyPhen-2: "Benign"; Align-GVGD: "Not Available". The serine amino acid residue is found in multiple mammalian species, which suggests that this missense change does not adversely affect protein function. In summary, the available evidence is currently insufficient to determine the role of this variant in disease. Therefore, it has been classified as a Variant of Uncertain Significance.

NM_032608.7(MYO18B):c.6997G>A (p.Gly2333Ser)

Gene: MYO18B (myosin XVIIIB; plus strand). Cytogenetic location: 22q12.1.
Variant type: single nucleotide variant.
Coding change: c.6997G>A on transcript NM_032608.7 (MANE Select); coding-DNA position 6997, G replaced by A.
Protein change: p.Gly2333Ser; replaces glycine 2333 with serine.
Molecular consequence: missense variant.
Genome position (GRCh38, 1-based): chr22:26,026,971, G>A. VCF-style: chr22-26026971-G-A. GRCh37 (hg19) VCF-style: chr22-26422937-G-A.
Other names: c.7000G>A, p.Gly2334Ser (NM_001318245.2); short protein forms G2333S, G2334S.
Identifiers: ClinVar variation 1900585 (VCV001900585.3), dbSNP rs772458595, ClinGen allele CA10161659.